The following is an entry in ClinVar:

ClinVar aggregate classification (germline): Uncertain significance (1 of 4 stars; one submission).

Conditions:
Familial thoracic aortic aneurysm and aortic dissection (TAAD). Also called: Thoracic aortic aneurysms and dissections. Identifiers: Orphanet 91387, MedGen C4707243, MONDO:0019625.

Submission:

Ambry Genetics
Classification: Uncertain significance for Familial thoracic aortic aneurysm and aortic dissection. Last evaluated: 2021-05-14. Review status: criteria provided, single submitter. Criteria: Ambry Variant Classification Scheme 2023. Collection method: clinical testing. Allele origin: germline.
Comment: The p.A12T variant (also known as c.34G>A), located in coding exon 1 of the FLNA gene, results from a G to A substitution at nucleotide position 34. The alanine at codon 12 is replaced by threonine, an amino acid with similar properties. This amino acid position is highly conserved in available vertebrate species. In addition, this alteration is predicted to be tolerated by in silico analysis. Since supporting evidence is limited at this time, the clinical significance of this alteration remains unclear.

NM_001110556.2(FLNA):c.34G>A (p.Ala12Thr)

Gene: FLNA (filamin A; minus strand). Cytogenetic location: Xq28.
Variant type: single nucleotide variant.
Coding change: c.34G>A on transcript NM_001110556.2 (MANE Select); coding-DNA position 34, G replaced by A.
Protein change: p.Ala12Thr; replaces alanine 12 with threonine.
Molecular consequence: missense variant.
Genome position (GRCh38, 1-based): chrX:154,371,212, C>T on the plus strand (G>A on the coding strand, the complement: FLNA is on the minus strand). VCF-style: chrX-154371212-C-T. GRCh37 (hg19) VCF-style: chrX-153599580-C-T.
Other names: c.34G>A, p.Ala12Thr (NM_001456.4); short protein forms A12T.
Identifiers: ClinVar variation 1732052 (VCV001732052.2), dbSNP rs868975259, ClinGen allele CA415255867.
Genomic context (GRCh38, chrX:154,371,212, plus strand): 5'-CGGTGGCCGGCATCTCGGCGTCCCGCGTGTCGACGCCGCCGCCCGGAGCCGCGCCTGCTG[C>T]GCTCTGGCCCGCCCGAGAGTGGGAGCTACTCATTTTGAGGCGCGAGAAGCCGGGGGGGCG-3'
Protein context (NP_001104026.1, residues 2-22): SSSHSRAGQS[Ala12Thr]AGAAPGGGVD